The following is an entry in ClinVar:

ClinVar aggregate classification (germline): Uncertain significance (1 of 4 stars; one submission).

Submission:

GeneDx
Classification: Uncertain significance. Last evaluated: 2023-07-11. Review status: criteria provided, single submitter. Criteria: GeneDx Variant Classification Process June 2021. Collection method: clinical testing. Allele origin: germline. Affected: yes.
Comment: Not observed at significant frequency in large population cohorts (gnomAD); In silico analysis supports that this missense variant has a deleterious effect on protein structure/function; Has not been previously published as pathogenic or benign to our knowledge

NM_014712.3(SETD1A):c.1736C>T (p.Ser579Phe)

Gene: SETD1A (SET domain containing 1A, histone lysine methyltransferase; plus strand). Cytogenetic location: 16p11.2.
Variant type: single nucleotide variant.
Coding change: c.1736C>T on transcript NM_014712.3 (MANE Select); coding-DNA position 1736, C replaced by T.
Protein change: p.Ser579Phe; replaces serine 579 with phenylalanine.
Molecular consequence: missense variant.
Genome position (GRCh38, 1-based): chr16:30,965,617, C>T. VCF-style: chr16-30965617-C-T. GRCh37 (hg19) VCF-style: chr16-30976938-C-T.
Other names: short protein forms S579F.
Identifiers: ClinVar variation 3361033 (VCV003361033.1).